The following is an entry in ClinVar:

ClinVar aggregate classification (germline): Uncertain significance (1 of 4 stars; one submission).

Submission:

Labcorp Genetics (formerly Invitae), Labcorp
Classification: Uncertain significance. Last evaluated: 2022-08-10. Review status: criteria provided, single submitter. Criteria: Invitae Variant Classification Sherloc (09022015). Collection method: clinical testing. Allele origin: germline.
Comment: Advanced modeling of protein sequence and biophysical properties (such as structural, functional, and spatial information, amino acid conservation, physicochemical variation, residue mobility, and thermodynamic stability) performed at Invitae indicates that this missense variant is expected to disrupt FAT4 protein function. In summary, the available evidence is currently insufficient to determine the role of this variant in disease. Therefore, it has been classified as a Variant of Uncertain Significance. ClinVar contains an entry for this variant (Variation ID: 1519595). This variant has not been reported in the literature in individuals affected with FAT4-related conditions. This variant is not present in population databases (gnomAD no frequency). This sequence change replaces aspartic acid, which is acidic and polar, with valine, which is neutral and non-polar, at codon 4301 of the FAT4 protein (p.Asp4301Val).

NM_001291303.3(FAT4):c.12908A>T (p.Asp4303Val)

Gene: FAT4 (FAT atypical cadherin 4; plus strand). Cytogenetic location: 4q28.1.
Variant type: single nucleotide variant.
Coding change: c.12908A>T on transcript NM_001291303.3 (MANE Select); coding-DNA position 12908, A replaced by T.
Protein change: p.Asp4303Val; replaces aspartic acid 4303 with valine.
Molecular consequence: missense variant.
Genome position (GRCh38, 1-based): chr4:125,487,430, A>T. VCF-style: chr4-125487430-A-T. GRCh37 (hg19) VCF-style: chr4-126408585-A-T.
Other names: c.12908A>T, p.Asp4303Val (NM_001291285.3); c.12902A>T, p.Asp4301Val (NM_024582.6); short protein forms D4303V, D4301V.
Identifiers: ClinVar variation 1519595 (VCV001519595.6), dbSNP rs2126092920, ClinGen allele CA358134182.